The following is an entry in ClinVar:

NM_015409.5(EP400):c.1572G>A (p.Ala524=)

Gene: EP400 (E1A binding protein p400; plus strand). Cytogenetic location: 12q24.33.
Variant type: single nucleotide variant.
Coding change: c.1572G>A on transcript NM_015409.5 (MANE Select); coding-DNA position 1572, G replaced by A.
Protein change: p.Ala524=; no amino-acid change (alanine 524 retained).
Molecular consequence: synonymous variant.
Genome position (GRCh38, 1-based): chr12:131,982,121, G>A. VCF-style: chr12-131982121-G-A. GRCh37 (hg19) VCF-style: chr12-132466666-G-A.
Identifiers: ClinVar variation 741312 (VCV000741312.27), dbSNP rs749446319, ClinGen allele CA6884799.
Genomic context (GRCh38, chr12:131,982,121, plus strand): 5'-TCAGTGCTTTTGGCACTTTTCTTATTTTGCAGGAGGAATGCCCCCCACGCCGCAGGCCGC[G>A]CAGCTCGCTGGACAGAGGCAGAGTCAGCAGCAGTATGACCCCTCCACGGGGCCTCCCGTG-3'
Protein context (NP_056224.3, residues 514-534): QGGMPPTPQA[Ala524=]QLAGQRQSQQ

ClinVar aggregate classification (germline): Likely benign. Review status: criteria provided, multiple submitters, no conflicts (2 of 4 stars). 2 submissions from 2 submitters: Likely benign (2). Last evaluated 2022-08-01.

Allele frequency attached by ClinVar (database versions not stated): TOPMed 0.00009; 1000 Genomes Project 30x 0.00016.
gnomAD v4.1: 137 of 1,547,354 alleles (0.0089%); highest among the groups gnomAD compares: Middle Eastern, 0.037%; no homozygotes.

Submissions (2):

CeGaT Center for Human Genetics Tuebingen
Classification: Likely benign. Last evaluated: 2022-08-01. Review status: criteria provided, single submitter. Criteria: CeGaT Center For Human Genetics Tuebingen Variant Classification Criteria Version 2. Collection method: clinical testing. Allele origin: germline. Affected: yes. Observed: 1 variant allele.
Comment: EP400: BP4, BP7

Labcorp Genetics (formerly Invitae), Labcorp
Classification: Likely benign. Last evaluated: 2018-06-06. Review status: criteria provided, single submitter. Criteria: Invitae Variant Classification Sherloc (09022015). Collection method: clinical testing. Allele origin: germline.